The following is an entry in ClinVar:

NM_000350.3(ABCA4):c.44G>A (p.Trp15Ter)

Gene: ABCA4 (ATP binding cassette subfamily A member 4; minus strand). Cytogenetic location: 1p22.1.
Variant type: single nucleotide variant.
Coding change: c.44G>A on transcript NM_000350.3 (MANE Select); coding-DNA position 44, G replaced by A.
Protein change: p.Trp15Ter; replaces tryptophan 15 with a stop codon.
Molecular consequence: nonsense.
Genome position (GRCh38, 1-based): chr1:94,121,002, C>T on the plus strand (G>A on the coding strand, the complement: ABCA4 is on the minus strand). VCF-style: chr1-94121002-C-T. GRCh37 (hg19) VCF-style: chr1-94586558-C-T.
Other names: c.44G>A, p.Trp15Ter (NM_001425324.1); short protein forms W15*.
Identifiers: ClinVar variation 1455818 (VCV001455818.8), dbSNP rs2101191402, ClinGen allele CA341288638.

ClinVar aggregate classification (germline): Pathogenic (1 of 4 stars; one submission).

Submission:

Labcorp Genetics (formerly Invitae), Labcorp
Classification: Pathogenic. Last evaluated: 2022-07-12. Review status: criteria provided, single submitter. Criteria: Invitae Variant Classification Sherloc (09022015). Collection method: clinical testing. Allele origin: germline.
Comment: For these reasons, this variant has been classified as Pathogenic. ClinVar contains an entry for this variant (Variation ID: 1455818). This premature translational stop signal has been observed in individual(s) with ABCA4-related conditions (PMID: 29555955, 29925512). This variant is not present in population databases (gnomAD no frequency). This sequence change creates a premature translational stop signal (p.Trp15*) in the ABCA4 gene. It is expected to result in an absent or disrupted protein product. Loss-of-function variants in ABCA4 are known to be pathogenic (PMID: 10958761, 24938718, 25312043, 26780318).

Literature cited by the submitters: PubMed 29555955; PubMed 29925512; PubMed 10958761; PubMed 24938718; PubMed 25312043; PubMed 26780318.